The following is an entry in ClinVar:

NM_006389.5(HYOU1):c.292C>T (p.Arg98Cys)

Gene: HYOU1 (hypoxia up-regulated 1; minus strand). Cytogenetic location: 11q23.3.
Variant type: single nucleotide variant.
Coding change: c.292C>T on transcript NM_006389.5 (MANE Select); coding-DNA position 292, C replaced by T.
Protein change: p.Arg98Cys; replaces arginine 98 with cysteine.
Molecular consequence: missense variant.
Genome position (GRCh38, 1-based): chr11:119,055,312, G>A on the plus strand (C>T on the coding strand, the complement: HYOU1 is on the minus strand). VCF-style: chr11-119055312-G-A. GRCh37 (hg19) VCF-style: chr11-118926024-G-A.
Other names: c.292C>T, p.Arg98Cys (NM_001130991.3, NM_001411041.1); short protein forms R98C.
Identifiers: ClinVar variation 3017173 (VCV003017173.3), dbSNP rs142005296, ClinGen allele CA229648994.

ClinVar aggregate classification (germline): Uncertain significance (1 of 4 stars; one submission).

Allele frequency attached by ClinVar (database versions not stated): gnomAD 0.00003.
gnomAD v4.1: 32 of 1,613,790 alleles (0.002%); highest among the groups gnomAD compares: Admixed American, 0.005%; no homozygotes.

Submission:

Labcorp Genetics (formerly Invitae), Labcorp
Classification: Uncertain significance. Last evaluated: 2025-08-23. Review status: criteria provided, single submitter. Criteria: Invitae Variant Classification Sherloc (09022015). Collection method: clinical testing. Allele origin: germline.
Comment: This sequence change replaces arginine, which is basic and polar, with cysteine, which is neutral and slightly polar, at codon 98 of the HYOU1 protein (p.Arg98Cys). This variant is present in population databases (rs142005296, gnomAD 0.006%). This variant has not been reported in the literature in individuals affected with HYOU1-related conditions. ClinVar contains an entry for this variant (Variation ID: 3017173). An algorithm developed to predict the effect of missense changes on protein structure and function (PolyPhen-2) suggests that this variant is likely to be disruptive. In summary, the available evidence is currently insufficient to determine the role of this variant in disease. Therefore, it has been classified as a Variant of Uncertain Significance.